The following is an entry in ClinVar:

NM_000143.4(FH):c.379-214A>G

Gene: FH (fumarate hydratase; minus strand). Cytogenetic location: 1q43.
Variant type: single nucleotide variant.
Coding change: c.379-214A>G on transcript NM_000143.4 (MANE Select); 214 bases into the intron before coding-DNA position 379, A replaced by G.
Molecular consequence: intron variant.
Genome position (GRCh38, 1-based): chr1:241,512,357, T>C on the plus strand (A>G on the coding strand, the complement: FH is on the minus strand). VCF-style: chr1-241512357-T-C. GRCh37 (hg19) VCF-style: chr1-241675657-T-C.
Identifiers: ClinVar variation 678160 (VCV000678160.1), dbSNP rs137857651, ClinGen allele CA40332144.

ClinVar aggregate classification (germline): Likely benign (1 of 4 stars; one submission).

Allele frequency attached by ClinVar (database versions not stated): gnomAD 0.00386 and 0.00412; 1000 Genomes Project 0.00439; TOPMed 0.00464; 1000 Genomes Project 30x 0.00484.
gnomAD v4.1: 585 of 152,238 alleles (0.38%); highest among the groups gnomAD compares: African/African-American, 1.3%; 5 homozygotes.

Submission:

GeneDx
Classification: Likely benign. Last evaluated: 2018-06-12. Review status: criteria provided, single submitter. Criteria: GeneDx Variant Classification (06012015). Collection method: clinical testing. Allele origin: germline. Affected: yes.
Comment: This variant is considered likely benign or benign based on one or more of the following criteria: it is a conservative change, it occurs at a poorly conserved position in the protein, it is predicted to be benign by multiple in silico algorithms, and/or has population frequency not consistent with disease.